The following is an entry in ClinVar:

ClinVar aggregate classification (germline): Uncertain significance (1 of 4 stars; one submission).

Conditions:
Hereditary cancer-predisposing syndrome. Also called: Neoplastic Syndromes, Hereditary; Hereditary Cancer Syndrome; Hereditary neoplastic syndrome; Tumor predisposition. Identifiers: Orphanet 140162, MedGen C0027672, MeSH D009386, MONDO:0015356.

Submission:

Ambry Genetics
Classification: Uncertain significance for Hereditary cancer-predisposing syndrome. Last evaluated: 2026-03-30. Review status: criteria provided, single submitter. Criteria: Ambry Variant Classification Scheme 2023. Collection method: clinical testing. Allele origin: germline.
Comment: The p.L358F variant (also known as c.1074G>T), located in coding exon 7 of the FH gene, results from a G to T substitution at nucleotide position 1074. The leucine at codon 358 is replaced by phenylalanine, an amino acid with highly similar properties. This amino acid position is conserved. In addition, this alteration is predicted to be deleterious by in silico analysis. Based on the available evidence, the clinical significance of this variant remains unclear.

NM_000143.4(FH):c.1074G>T (p.Leu358Phe)

Gene: FH (fumarate hydratase; minus strand). Cytogenetic location: 1q43.
Variant type: single nucleotide variant.
Coding change: c.1074G>T on transcript NM_000143.4 (MANE Select); coding-DNA position 1074, G replaced by T.
Protein change: p.Leu358Phe; replaces leucine 358 with phenylalanine.
Molecular consequence: missense variant.
Genome position (GRCh38, 1-based): chr1:241,504,076, C>A on the plus strand (G>T on the coding strand, the complement: FH is on the minus strand). VCF-style: chr1-241504076-C-A. GRCh37 (hg19) VCF-style: chr1-241667376-C-A.
Other names: short protein forms L358F.
Identifiers: ClinVar variation 4871319 (VCV004871319.1).